The following is an entry in ClinVar:

ClinVar aggregate classification (germline): Uncertain significance. Review status: criteria provided, multiple submitters, no conflicts (2 of 4 stars). 2 submissions from 2 submitters: Uncertain significance (2). Last evaluated 2025-10-19.

Conditions:
Inborn genetic diseases. Identifiers: MedGen C0950123, MeSH D030342.
TBX4-related disorder. Also called: TBX4-related disorders; TBX4-related condition.

gnomAD v4.1: 19 of 1,610,026 alleles (0.0012%); highest among the groups gnomAD compares: African/African-American, 0.0067%; no homozygotes.

Submissions (2):

PreventionGenetics, part of Exact Sciences
Classification: Uncertain significance for TBX4-related condition. Last evaluated: 2025-10-19. Review status: criteria provided, single submitter. Criteria: ACMG Guidelines, 2015. Collection method: clinical testing. Allele origin: germline.
Comment: The TBX4 c.1454G>A variant is predicted to result in the amino acid substitution p.Arg485Gln. To our knowledge, this variant has not been reported in the literature. This variant is reported in 0.0062% of alleles in individuals of African descent in gnomAD. At this time, the clinical significance of this variant is uncertain due to the absence of conclusive functional and genetic evidence.

Ambry Genetics
Classification: Uncertain significance for Inborn genetic diseases. Last evaluated: 2025-04-08. Review status: criteria provided, single submitter. Criteria: Ambry Variant Classification Scheme 2023. Collection method: clinical testing. Allele origin: germline.

NM_001321120.2(TBX4):c.1457G>A (p.Arg486Gln)

Gene: TBX4 (T-box transcription factor 4; plus strand). Cytogenetic location: 17q23.2.
Variant type: single nucleotide variant.
Coding change: c.1457G>A on transcript NM_001321120.2 (MANE Select); coding-DNA position 1457, G replaced by A.
Protein change: p.Arg486Gln; replaces arginine 486 with glutamine.
Molecular consequence: missense variant.
Genome position (GRCh38, 1-based): chr17:61,483,332, G>A. VCF-style: chr17-61483332-G-A. GRCh37 (hg19) VCF-style: chr17-59560693-G-A.
Other names: c.1454G>A, p.Arg485Gln (NM_018488.3); short protein forms R485Q, R486Q.
Identifiers: ClinVar variation 3966295 (VCV003966295.2).